The following is an entry in ClinVar:

ClinVar aggregate classification (germline): Uncertain significance (1 of 4 stars; one submission).

Conditions:
Hereditary cancer-predisposing syndrome. Also called: Hereditary neoplastic syndrome; Neoplastic Syndromes, Hereditary; Tumor predisposition; Hereditary Cancer Syndrome. Identifiers: Orphanet 140162, MedGen C0027672, MeSH D009386, MONDO:0015356.

Submission:

Ambry Genetics
Classification: Uncertain significance for Hereditary cancer-predisposing syndrome. Last evaluated: 2025-02-28. Review status: criteria provided, single submitter. Criteria: Ambry Variant Classification Scheme 2023. Collection method: clinical testing. Allele origin: germline.
Comment: The p.K812Q variant (also known as c.2434A>C), located in coding exon 9 of the BRCA1 gene, results from an A to C substitution at nucleotide position 2434. The lysine at codon 812 is replaced by glutamine, an amino acid with similar properties. This amino acid position is not well conserved in available vertebrate species. In addition, the in silico prediction for this alteration is inconclusive. Based on the available evidence, the clinical significance of this variant remains unclear.

NM_007294.4(BRCA1):c.2434A>C (p.Lys812Gln)

Gene: BRCA1 (BRCA1 DNA repair associated; minus strand). Cytogenetic location: 17q21.31.
Variant type: single nucleotide variant.
Coding change: c.2434A>C on transcript NM_007294.4 (MANE Select); coding-DNA position 2434, A replaced by C.
Protein change: p.Lys812Gln; replaces lysine 812 with glutamine.
Molecular consequence: missense variant. On other transcripts: intron variant (137).
Genome position (GRCh38, 1-based): chr17:43,093,097, T>G on the plus strand (A>C on the coding strand, the complement: BRCA1 is on the minus strand). VCF-style: chr17-43093097-T-G. GRCh37 (hg19) VCF-style: chr17-41245114-T-G.
Other names: c.577+1647A>C (NM_001408481.1, NM_001408480.1, NM_001408492.1 and 9 more transcripts); c.2290A>C, p.Lys764Gln (NM_001407841.1, NM_001407842.1, NM_001407843.1 and 20 more transcripts); c.778+1647A>C (NM_001408408.1); c.661+1647A>C (NM_001408446.1, NM_001408435.1, NM_001408448.1 and 6 more transcripts); c.784+1647A>C (NM_001408401.1, NM_001408396.1, NM_001407985.1 and 13 more transcripts); c.548-2065A>C (NM_001408494.1); c.2293A>C, p.Lys765Gln (NM_001407850.1, NM_001407851.1, NM_001407852.1 and 29 more transcripts); c.664+1647A>C (NM_001408444.1, NM_001408438.1, NM_001408430.1 and 12 more transcripts); and 41 more; short protein forms K516Q, K765Q, K771Q, K811Q, K700Q, K742Q, K744Q, K770Q.
Identifiers: ClinVar variation 3825259 (VCV003825259.1).